The following is an entry in ClinVar:

ClinVar aggregate classification (germline): Likely benign. Review status: criteria provided, single submitter (1 of 4 stars). 2 submissions from 2 submitters: Likely benign (1). 1 of the submissions does not count toward it. Last evaluated 2024-05-07.

Conditions:
SLC25A12-related disorder. Also called: SLC25A12-related condition.

Allele frequency attached by ClinVar (database versions not stated): gnomAD exomes below 0.00001; ExAC 0.00001; TOPMed 0.00003.
gnomAD v4.1: 8 of 1,614,196 alleles (0.0005%); highest among the groups gnomAD compares: South Asian, 0.0011%; no homozygotes.

Submissions (2):

Labcorp Genetics (formerly Invitae), Labcorp
Classification: Likely benign. Last evaluated: 2024-05-07. Review status: criteria provided, single submitter. Criteria: Invitae Variant Classification Sherloc (09022015). Collection method: clinical testing. Allele origin: germline.

PreventionGenetics, part of Exact Sciences
Classification: Likely benign for SLC25A12-related condition. Last evaluated: 2019-09-23. Review status: no assertion criteria provided. Collection method: clinical testing. Allele origin: germline. Not counted in ClinVar's aggregate classification.
Comment: This variant is classified as likely benign based on ACMG/AMP sequence variant interpretation guidelines (Richards et al. 2015 PMID: 25741868, with internal and published modifications).

NM_003705.5(SLC25A12):c.1923C>T (p.Leu641=)

Gene: SLC25A12 (solute carrier family 25 member 12; minus strand). Cytogenetic location: 2q31.1.
Variant type: single nucleotide variant.
Coding change: c.1923C>T on transcript NM_003705.5 (MANE Select); coding-DNA position 1923, C replaced by T.
Protein change: p.Leu641=; no amino-acid change (leucine 641 retained).
Molecular consequence: synonymous variant. On other transcripts: non-coding transcript variant (1).
Genome position (GRCh38, 1-based): chr2:171,785,388, G>A on the plus strand (C>T on the coding strand, the complement: SLC25A12 is on the minus strand). VCF-style: chr2-171785388-G-A. GRCh37 (hg19) VCF-style: chr2-172641898-G-A.
Other names: c.1923C>T (NM_003705.4).
Identifiers: ClinVar variation 1623297 (VCV001623297.10), dbSNP rs113486658, ClinGen allele CA1966005.